The following is an entry in ClinVar:

ClinVar aggregate classification (germline): Likely benign (1 of 4 stars; one submission).

gnomAD v4.1: 2 of 1,614,044 alleles (0.00012%); highest among the groups gnomAD compares: Non-Finnish European, 0.000085%; no homozygotes.

Submission:

CeGaT Center for Human Genetics Tuebingen
Classification: Likely benign. Last evaluated: 2026-09-01. Review status: criteria provided, single submitter. Criteria: CeGaT Center For Human Genetics Tuebingen Variant Classification Criteria Version 2. Collection method: clinical testing. Allele origin: germline. Affected: yes. Observed: 1 variant allele.
Comment: SYNE2: BP4, BP7

NM_182914.3(SYNE2):c.13350T>C (p.Asp4450=)

Gene: SYNE2 (spectrin repeat containing nuclear envelope protein 2; plus strand). Cytogenetic location: 14q23.2.
Variant type: single nucleotide variant.
Coding change: c.13350T>C on transcript NM_182914.3 (MANE Select); coding-DNA position 13350, T replaced by C.
Protein change: p.Asp4450=; no amino-acid change (aspartic acid 4450 retained).
Molecular consequence: synonymous variant.
Genome position (GRCh38, 1-based): chr14:64,122,355, T>C. VCF-style: chr14-64122355-T-C. GRCh37 (hg19) VCF-style: chr14-64589073-T-C.
Other names: c.13350T>C, p.Asp4450= (NM_015180.6).
Identifiers: ClinVar variation 5039408 (VCV005039408.1).